The following is an entry in ClinVar:

ClinVar aggregate classification (germline): Uncertain significance (1 of 4 stars; one submission).

Conditions:
Hypertrophic cardiomyopathy. Also called: HYPERTROPHIC MYOCARDIOPATHY. Identifiers: Orphanet 217569, MedGen C0007194, MeSH D002312, MONDO:0005045, HP:0001639.

Submission:

Labcorp Genetics (formerly Invitae), Labcorp
Classification: Uncertain significance for Hypertrophic cardiomyopathy. Last evaluated: 2022-03-14. Review status: criteria provided, single submitter. Criteria: Invitae Variant Classification Sherloc (09022015). Collection method: clinical testing. Allele origin: germline.
Comment: In summary, the available evidence is currently insufficient to determine the role of this variant in disease. Therefore, it has been classified as a Variant of Uncertain Significance. Algorithms developed to predict the effect of missense changes on protein structure and function are either unavailable or do not agree on the potential impact of this missense change (SIFT: "Deleterious"; PolyPhen-2: "Possibly Damaging"; Align-GVGD: "Class C0"). This variant has not been reported in the literature in individuals affected with MYBPC3-related conditions. This variant is not present in population databases (gnomAD no frequency). This sequence change replaces glutamic acid, which is acidic and polar, with glycine, which is neutral and non-polar, at codon 744 of the MYBPC3 protein (p.Glu744Gly).

NM_000256.3(MYBPC3):c.2231A>G (p.Glu744Gly)

Gene: MYBPC3 (myosin binding protein C3; minus strand). Cytogenetic location: 11p11.2.
Variant type: single nucleotide variant.
Coding change: c.2231A>G on transcript NM_000256.3 (MANE Select); coding-DNA position 2231, A replaced by G.
Protein change: p.Glu744Gly; replaces glutamic acid 744 with glycine.
Molecular consequence: missense variant.
Genome position (GRCh38, 1-based): chr11:47,338,597, T>C on the plus strand (A>G on the coding strand, the complement: MYBPC3 is on the minus strand). VCF-style: chr11-47338597-T-C. GRCh37 (hg19) VCF-style: chr11-47360148-T-C.
Other names: short protein forms E744G.
Identifiers: ClinVar variation 1489565 (VCV001489565.6), dbSNP rs2142856613, ClinGen allele CA380320328.